The following is an entry in ClinVar:

ClinVar aggregate classification (germline): Benign/Likely benign. Review status: criteria provided, multiple submitters, no conflicts (2 of 4 stars). 2 submissions from 2 submitters: Benign (1); Likely benign (1). Last evaluated 2024-06-01.

Allele frequency attached by ClinVar (database versions not stated): ExAC 0.00002; gnomAD exomes 0.00002 and 0.00005; gnomAD 0.00007; TOPMed 0.00019.
gnomAD v4.1: 43 of 1,210,420 alleles (0.0036%); highest among the groups gnomAD compares: Admixed American, 0.035%; no homozygotes.

Submissions (2):

CeGaT Center for Human Genetics Tuebingen
Classification: Likely benign. Last evaluated: 2024-06-01. Review status: criteria provided, single submitter. Criteria: CeGaT Center For Human Genetics Tuebingen Variant Classification Criteria Version 2. Collection method: clinical testing. Allele origin: germline. Affected: yes. Observed: 1 variant allele.
Comment: BCORL1: BS2

Laboratorio de Genetica e Diagnostico Molecular, Hospital Israelita Albert Einstein
Classification: Benign. Last evaluated: 2022-04-14. Review status: criteria provided, single submitter. Criteria: ACMG Guidelines, 2015. Collection method: clinical testing. Allele origin: germline. Affected: yes.
Comment: ACMG classification criteria: BS1, BS2, BP4

NM_001379451.1(BCORL1):c.472G>A (p.Gly158Arg)

Gene: BCORL1 (BCL6 corepressor like 1; plus strand). Cytogenetic location: Xq26.1.
Variant type: single nucleotide variant.
Coding change: c.472G>A on transcript NM_001379451.1 (MANE Select); coding-DNA position 472, G replaced by A.
Protein change: p.Gly158Arg; replaces glycine 158 with arginine.
Molecular consequence: missense variant.
Genome position (GRCh38, 1-based): chrX:130,013,244, G>A. VCF-style: chrX-130013244-G-A. GRCh37 (hg19) VCF-style: chrX-129147220-G-A.
Other names: c.472G>A, p.Gly158Arg (NM_001184772.3, NM_001379450.1, NM_021946.5); short protein forms G158R.
Identifiers: ClinVar variation 1690601 (VCV001690601.20), dbSNP rs376946512, ClinGen allele CA10514128.